The following is an entry in ClinVar:

ClinVar aggregate classification (germline): Likely benign (1 of 4 stars; one submission).

Conditions:
PKD1-related disorder. Also called: PKD1-related condition.

gnomAD v4.1: 32 of 1,570,140 alleles (0.002%); highest among the groups gnomAD compares: Admixed American, 0.016%; no homozygotes.

Submission:

PreventionGenetics, part of Exact Sciences
Classification: Likely benign for PKD1-related condition. Last evaluated: 2026-06-08. Review status: criteria provided, single submitter. Criteria: ACMG Guidelines, 2015. Collection method: clinical testing. Allele origin: germline.
Comment: This variant is classified as likely benign based on ACMG/AMP sequence variant interpretation guidelines (Richards et al. 2015 PMID: 25741868, with internal and published modifications).

NM_001009944.3(PKD1):c.6414G>A (p.Thr2138=)

Gene: PKD1 (polycystin 1, transient receptor potential channel interacting; minus strand). Cytogenetic location: 16p13.3.
Variant type: single nucleotide variant.
Coding change: c.6414G>A on transcript NM_001009944.3 (MANE Select); coding-DNA position 6414, G replaced by A.
Protein change: p.Thr2138=; no amino-acid change (threonine 2138 retained).
Molecular consequence: synonymous variant.
Genome position (GRCh38, 1-based): chr16:2,108,753, C>T on the plus strand (G>A on the coding strand, the complement: PKD1 is on the minus strand). VCF-style: chr16-2108753-C-T. GRCh37 (hg19) VCF-style: chr16-2158754-C-T.
Other names: c.6414G>A, p.Thr2138= (NM_000296.4).
Identifiers: ClinVar variation 4986728 (VCV004986728.1).
Genomic context (GRCh38, chr16:2,108,753, plus strand): 5'-CTGCAGGGGCAGGACCACGTCCACCTCCGGCTCCCGGCAGGCCAGCACCTGGACGGTCAC[C>T]GTGGCCTGCGCCACGAAGAAGCTCACCAGGTTGGAGGCGTTCACCTGCACGCGGTAGTCC-3'
Protein context (NP_001009944.3, residues 2128-2148): NLVSFFVAQA[Thr2138=]VTVQVLACRE